The following is an entry in ClinVar:

ClinVar aggregate classification (germline): Benign. Review status: criteria provided, multiple submitters, no conflicts (2 of 4 stars). 2 submissions from 2 submitters: Benign (2). Last evaluated 2018-01-13.

Conditions:
Hyaline fibromatosis syndrome (HFS). Also called: Hyalinosis, Inherited Systemic; HYALINOSIS, SYSTEMIC. Identifiers: Orphanet 2028, Orphanet 498474, MedGen C5574677, MONDO:0009229, OMIM 228600.

Allele frequency attached by ClinVar (database versions not stated): gnomAD exomes 0.73556; gnomAD 0.80420 and 0.81044; TOPMed 0.81643; 1000 Genomes Project 30x 0.84432; 1000 Genomes Project 0.84944.
gnomAD v4.1: 123,283 of 152,152 alleles (81%); highest among the groups gnomAD compares: East Asian, 100%; 50,143 homozygotes.

Submissions (2):

Illumina Laboratory Services, Illumina
Classification: Benign for Hyaline fibromatosis syndrome. Last evaluated: 2018-01-13. Review status: criteria provided, single submitter. Criteria: ICSL Variant Classification Criteria 13 December 2019. Collection method: clinical testing. Allele origin: germline.
Comment: This variant was observed in the ICSL laboratory as part of a predisposition screen in an ostensibly healthy population. It had not been previously curated by ICSL or reported in the Human Gene Mutation Database (HGMD: prior to June 1st, 2018), and was therefore a candidate for classification through an automated scoring system. Utilizing variant allele frequency, disease prevalence and penetrance estimates, and inheritance mode, an automated score was calculated to assess if this variant is too frequent to cause the disease. Based on the score and internal cut-off values, a variant classified as benign is not then subjected to further curation. The score for this variant resulted in a classification of benign for this disease.

Breakthrough Genomics
Classification: Benign. Review status: criteria provided, single submitter. Criteria: ACMG Guidelines, 2015. Collection method: not provided. Allele origin: germline. Inheritance: Autosomal recessive inheritance. Affected: yes.

NM_058172.6(ANTXR2):c.*784T>G

Gene: ANTXR2 (ANTXR cell adhesion molecule 2; minus strand). Cytogenetic location: 4q21.21.
Variant type: single nucleotide variant.
Coding change: c.*784T>G on transcript NM_058172.6 (MANE Select); 784 bases downstream of the stop codon, T replaced by G.
Molecular consequence: 3 prime UTR variant.
Genome position (GRCh38, 1-based): chr4:79,906,645, A>C on the plus strand (T>G on the coding strand, the complement: ANTXR2 is on the minus strand). VCF-style: chr4-79906645-A-C. GRCh37 (hg19) VCF-style: chr4-80827799-A-C.
Other names: c.*784T>G (NM_001286780.2, NM_001286781.2).
Identifiers: ClinVar variation 906996 (VCV000906996.5), dbSNP rs1139638, ClinGen allele CA11822153.
Genomic context (GRCh38, chr4:79,906,645, plus strand): 5'-ACTAAATCCTAAACACAGGAAAAGGGGGAATCTACTAGTCACAGGGACAAGTTCGCAAAA[A>C]ATGAGTCCCTTGCACTACACTCAAGATCTCTGGCTAGAGGCCTTCTGTGGAATAACGCTC-3'